The following is an entry in ClinVar:

NM_025114.4(CEP290):c.7026A>C (p.Gln2342His)

Gene: CEP290 (centrosomal protein 290; minus strand). Cytogenetic location: 12q21.32.
Variant type: single nucleotide variant.
Coding change: c.7026A>C on transcript NM_025114.4 (MANE Select); coding-DNA position 7026, A replaced by C.
Protein change: p.Gln2342His; replaces glutamine 2342 with histidine.
Molecular consequence: missense variant.
Genome position (GRCh38, 1-based): chr12:88,054,348, T>G on the plus strand (A>C on the coding strand, the complement: CEP290 is on the minus strand). VCF-style: chr12-88054348-T-G. GRCh37 (hg19) VCF-style: chr12-88448125-T-G.
Other names: short protein forms Q2342H.
Identifiers: ClinVar variation 4993284 (VCV004993284.1).

ClinVar aggregate classification (germline): Uncertain significance (1 of 4 stars; one submission).

Conditions:
CEP290-related disorder. Also called: CEP290-related disorders; CEP290-related condition. Identifiers: MedGen CN239314.

Submission:

PreventionGenetics, part of Exact Sciences
Classification: Uncertain significance for CEP290-related condition. Last evaluated: 2026-04-17. Review status: criteria provided, single submitter. Criteria: ACMG Guidelines, 2015. Collection method: clinical testing. Allele origin: germline.
Comment: The CEP290 c.7026A>C variant is predicted to result in the amino acid substitution p.Gln2342His. To our knowledge, this variant has not been reported in the literature or in a large population database (gnomAD), indicating this variant is rare. At this time, the clinical significance of this variant is uncertain due to the absence of conclusive functional and genetic evidence.